The following is an entry in ClinVar:

NM_000051.4(ATM):c.375G>A (p.Met125Ile)

Gene: ATM (ATM serine/threonine kinase; plus strand). Cytogenetic location: 11q22.3.
Variant type: single nucleotide variant.
Coding change: c.375G>A on transcript NM_000051.4 (MANE Select); coding-DNA position 375, G replaced by A.
Protein change: p.Met125Ile; replaces methionine 125 with isoleucine.
Molecular consequence: missense variant.
Genome position (GRCh38, 1-based): chr11:108,235,713, G>A. VCF-style: chr11-108235713-G-A. GRCh37 (hg19) VCF-style: chr11-108106440-G-A.
Other names: c.375G>A, p.Met125Ile (NM_001351834.2); short protein forms M125I.
Identifiers: ClinVar variation 824168 (VCV000824168.10), dbSNP rs1591474725, ClinGen allele CA382524772.

ClinVar aggregate classification (germline): Uncertain significance. Review status: criteria provided, multiple submitters, no conflicts (2 of 4 stars). 4 submissions from 4 submitters: Uncertain significance (3). 1 of the submissions does not count toward it. Last evaluated 2024-03-26.

Conditions:
Hereditary cancer-predisposing syndrome. Also called: Neoplastic Syndromes, Hereditary; Hereditary Cancer Syndrome; Hereditary neoplastic syndrome; Tumor predisposition. Identifiers: Orphanet 140162, MedGen C0027672, MeSH D009386, MONDO:0015356.
Ataxia-telangiectasia syndrome (AT). Also called: ATAXIA-TELANGIECTASIA, COMPLEMENTATION GROUP A; ATAXIA-TELANGIECTASIA, FRESNO VARIANT; Ataxia-telangiectasia, complementation group E; Ataxia telangiectasia (A-T); LOUIS-BAR SYNDROME; Cerebello-oculocutaneous telangiectasia. Identifiers: Orphanet 100, MedGen C0004135, MONDO:0008840, OMIM 208900.

Allele frequency attached by ClinVar (database versions not stated): gnomAD exomes below 0.00001.

Submissions (4):

Labcorp Genetics (formerly Invitae), Labcorp
Classification: Uncertain significance for Ataxia-telangiectasia syndrome. Last evaluated: 2024-03-26. Review status: criteria provided, single submitter. Criteria: Invitae Variant Classification Sherloc (09022015). Collection method: clinical testing. Allele origin: germline.
Comment: This sequence change replaces methionine, which is neutral and non-polar, with isoleucine, which is neutral and non-polar, at codon 125 of the ATM protein (p.Met125Ile). This variant is not present in population databases (gnomAD no frequency). This variant has not been reported in the literature in individuals affected with ATM-related conditions. ClinVar contains an entry for this variant (Variation ID: 824168). Algorithms developed to predict the effect of missense changes on protein structure and function output the following: SIFT: "Not Available"; PolyPhen-2: "Benign"; Align-GVGD: "Not Available". The isoleucine amino acid residue is found in multiple mammalian species, which suggests that this missense change does not adversely affect protein function. In summary, the available evidence is currently insufficient to determine the role of this variant in disease. Therefore, it has been classified as a Variant of Uncertain Significance.

Color Diagnostics, LLC DBA Color Health
Classification: Uncertain significance for Hereditary cancer-predisposing syndrome. Last evaluated: 2019-07-26. Review status: criteria provided, single submitter. Criteria: ACMG Guidelines, 2015. Collection method: clinical testing. Allele origin: germline.
Comment: This missense variant replaces methionine with isoleucine at codon 125 of the ATM protein. Computational prediction tools and conservation analyses are inconclusive regarding the impact of this variant on the protein function. Splice site prediction tools suggest that this variant may create a new splice acceptor site; however, this prediction has not been investigated in published functional studies. To our knowledge, this variant has not been reported in individuals affected with hereditary cancer in the literature. This variant has not been identified in the general population by the Genome Aggregation Database (gnomAD). Available evidence is insufficient to determine the role of this variant in disease conclusively. Therefore, this variant is classified as a Variant of Uncertain Significance.

Ambry Genetics
Classification: Uncertain significance for Hereditary cancer-predisposing syndrome. Last evaluated: 2019-05-23. Review status: criteria provided, single submitter. Criteria: Ambry Variant Classification Scheme 2023. Collection method: clinical testing. Allele origin: germline.
Comment: The p.M125I variant (also known as c.375G>A), located in coding exon 4 of the ATM gene, results from a G to A substitution at nucleotide position 375. The methionine at codon 125 is replaced by isoleucine, an amino acid with highly similar properties. This amino acid position is well conserved in available vertebrate species. In addition, this alteration is predicted to be tolerated by in silico analysis. Since supporting evidence is limited at this time, the clinical significance of this alteration remains unclear.

Natera, Inc.
Classification: Uncertain significance for Ataxia-telangiectasia. Last evaluated: 2021-02-10. Review status: no assertion criteria provided. Collection method: clinical testing. Allele origin: germline. Not counted in ClinVar's aggregate classification.